The following is an entry in ClinVar:

ClinVar aggregate classification (germline): Benign (0 of 4 stars; one submission).

Conditions:
CD6-related disorder. Also called: CD6-related condition.

Allele frequency attached by ClinVar (database versions not stated): 1000 Genomes Project 30x 0.08713; 1000 Genomes Project 0.08826; TOPMed 0.15618; gnomAD 0.15731; ESP Exome Variant Server 0.17591; ExAC 0.19172.
gnomAD v4.1: 331,098 of 1,606,434 alleles (21%); highest among the groups gnomAD compares: Middle Eastern, 32%; 38,470 homozygotes.

Submission:

PreventionGenetics, part of Exact Sciences
Classification: Benign for CD6-related condition. Last evaluated: 2019-10-22. Review status: no assertion criteria provided. Collection method: clinical testing. Allele origin: germline.
Comment: This variant is classified as benign based on ACMG/AMP sequence variant interpretation guidelines (Richards et al. 2015 PMID: 25741868, with internal and published modifications).

NM_006725.5(CD6):c.650C>T (p.Thr217Met)

Gene: CD6 (CD6 molecule; plus strand). Cytogenetic location: 11q12.2.
Variant type: single nucleotide variant.
Coding change: c.650C>T on transcript NM_006725.5 (MANE Select); coding-DNA position 650, C replaced by T.
Protein change: p.Thr217Met; replaces threonine 217 with methionine.
Molecular consequence: missense variant. On other transcripts: non-coding transcript variant (1).
Genome position (GRCh38, 1-based): chr11:61,008,714, C>T. VCF-style: chr11-61008714-C-T. GRCh37 (hg19) VCF-style: chr11-60776186-C-T.
Other names: c.650C>T, p.Thr217Met (NM_001254750.2, NM_001254751.2); short protein forms T217M.
Identifiers: ClinVar variation 3056065 (VCV003056065.2), dbSNP rs11230562, ClinGen allele CA6029961.